The following is an entry in ClinVar:

NM_001364716.4(MPRIP):c.5136G>A (p.Leu1712=)

Gene: MPRIP (myosin phosphatase Rho interacting protein; plus strand). Cytogenetic location: 17p11.2.
Variant type: single nucleotide variant.
Coding change: c.5136G>A on transcript NM_001364716.4 (MANE Select); coding-DNA position 5136, G replaced by A.
Protein change: p.Leu1712=; no amino-acid change (leucine 1712 retained).
Molecular consequence: synonymous variant. On other transcripts: intron variant (2).
Genome position (GRCh38, 1-based): chr17:17,166,727, G>A. VCF-style: chr17-17166727-G-A. GRCh37 (hg19) VCF-style: chr17-17070041-G-A.
Other names: c.2164-4991G>A (NM_201274.4, NM_015134.4).
Identifiers: ClinVar variation 3390008 (VCV003390008.14).

ClinVar aggregate classification (germline): Likely benign (1 of 4 stars; one submission).

Submission:

CeGaT Center for Human Genetics Tuebingen
Classification: Likely benign. Last evaluated: 2024-10-01. Review status: criteria provided, single submitter. Criteria: CeGaT Center For Human Genetics Tuebingen Variant Classification Criteria Version 2. Collection method: clinical testing. Allele origin: germline. Affected: yes. Observed: 1 variant allele.
Comment: MPRIP: PM2:Supporting, BP4, BP7